The following is an entry in ClinVar:

ClinVar aggregate classification (germline): Uncertain significance (1 of 4 stars; one submission).

Submission:

Ambry Genetics
Classification: Uncertain significance. Last evaluated: 2025-02-10. Review status: criteria provided, single submitter. Criteria: Ambry Variant Classification Scheme 2023. Collection method: clinical testing. Allele origin: germline.
Comment: The p.Q303K variant (also known as c.907C>A), located in coding exon 1 of the MC1R gene, results from a C to A substitution at nucleotide position 907. The glutamine at codon 303 is replaced by lysine, an amino acid with similar properties. This amino acid position is conserved. In addition, this alteration is predicted to be tolerated by in silico analysis. Based on the available evidence, the clinical significance of this variant remains unclear.

NM_002386.4(MC1R):c.907C>A (p.Gln303Lys)

Gene: MC1R (melanocortin 1 receptor; plus strand). Cytogenetic location: 16q24.3.
Variant type: single nucleotide variant.
Coding change: c.907C>A on transcript NM_002386.4 (MANE Select); coding-DNA position 907, C replaced by A.
Protein change: p.Gln303Lys; replaces glutamine 303 with lysine.
Molecular consequence: missense variant.
Genome position (GRCh38, 1-based): chr16:89,920,165, C>A. VCF-style: chr16-89920165-C-A. GRCh37 (hg19) VCF-style: chr16-89986573-C-A.
Other names: short protein forms Q303K.
Identifiers: ClinVar variation 3871109 (VCV003871109.1).
Genomic context (GRCh38, chr16:89,920,165, plus strand): 5'-TTTCTCGCCCTCATCATCTGCAATGCCATCATCGACCCCCTCATCTACGCCTTCCACAGC[C>A]AGGAGCTCCGCAGGACGCTCAAGGAGGTGCTGACATGCTCCTGGTGAGCGCGGTGCACGC-3'
Protein context (NP_002377.4, residues 293-313): IDPLIYAFHS[Gln303Lys]ELRRTLKEVL